The following is an entry in ClinVar:

ClinVar aggregate classification (germline): Pathogenic (1 of 4 stars; one submission).

Submission:

CeGaT Center for Human Genetics Tuebingen
Classification: Pathogenic. Last evaluated: 2025-11-01. Review status: criteria provided, single submitter. Criteria: CeGaT Center For Human Genetics Tuebingen Variant Classification Criteria Version 2. Collection method: clinical testing. Allele origin: germline. Affected: yes. Observed: 1 variant allele.
Comment: PNPLA6: PVS1, PM2

NM_001166114.2(PNPLA6):c.2532C>A (p.Tyr844Ter)

Gene: PNPLA6 (patatin like domain 6, lysophospholipase; plus strand). Cytogenetic location: 19p13.2.
Variant type: single nucleotide variant.
Coding change: c.2532C>A on transcript NM_001166114.2 (MANE Select); coding-DNA position 2532, C replaced by A.
Protein change: p.Tyr844Ter; replaces tyrosine 844 with a stop codon.
Molecular consequence: nonsense.
Genome position (GRCh38, 1-based): chr19:7,554,621, C>A. VCF-style: chr19-7554621-C-A. GRCh37 (hg19) VCF-style: chr19-7619507-C-A.
Other names: c.2562C>A, p.Tyr854Ter (NM_001166111.2); c.2337C>A, p.Tyr779Ter (NM_001166112.2); c.2418C>A, p.Tyr806Ter (NM_001166113.1, NM_006702.5); short protein forms Y779*, Y806*, Y844*, Y854*.
Identifiers: ClinVar variation 4535127 (VCV004535127.6).